The following is an entry in ClinVar:

NM_001148.6(ANK2):c.7142C>A (p.Ala2381Asp)

Genes: ANK2 (ankyrin 2; plus strand), LOC126807137 (CDK7 strongly-dependent group 2 enhancer GRCh37_chr4:114276560-114277759; plus strand). Cytogenetic location: 4q26.
Variant type: single nucleotide variant.
Coding change: c.7142C>A on transcript NM_001148.6 (MANE Select); coding-DNA position 7142, C replaced by A.
Protein change: p.Ala2381Asp; replaces alanine 2381 with aspartic acid.
Molecular consequence: missense variant. On other transcripts: intron variant (68).
Genome position (GRCh38, 1-based): chr4:113,355,760, C>A. VCF-style: chr4-113355760-C-A. GRCh37 (hg19) VCF-style: chr4-114276916-C-A.
Other names: c.6908C>A, p.Ala2303Asp (NM_001386142.1); c.3542C>A, p.Ala1181Asp (NM_001386166.1); c.7283C>A, p.Ala2428Asp (NM_001386174.1); c.7259C>A, p.Ala2420Asp (NM_001386175.1); c.4412-5063C>A (NM_001386186.2, NM_001386148.2); c.4214-5063C>A (NM_001354269.3); c.4292-5063C>A (NM_001386187.2); c.4253-5063C>A (NM_001386147.1); and 35 more; short protein forms A2381D, A1181D, A2303D, A2420D, A2428D.
Identifiers: ClinVar variation 406472 (VCV000406472.16), dbSNP rs764841248, ClinGen allele CA3051541.

ClinVar aggregate classification (germline): Conflicting classifications of pathogenicity. Review status: criteria provided, conflicting classifications (1 of 4 stars). 5 submissions from 5 submitters: Uncertain significance (4); Likely benign (1). Last evaluated 2026-07-06.

Conditions:
ANK2-related disorder. Also called: ANK2-related condition.
Cardiovascular phenotype. Identifiers: MedGen CN230736.
Long QT syndrome (LQTS). Identifiers: MedGen C0023976, MeSH D008133, MONDO:0002442. Disease mechanism: loss of function. Inheritance: Various modes of inheritance.
Cardiac arrhythmia, ankyrin-B-related. Also called: ANKYRIN-B SYNDROME. Identifiers: Orphanet 101016, Orphanet 768, MedGen C1970119, MONDO:0010958, OMIM 600919.

Allele frequency attached by ClinVar (database versions not stated): gnomAD 0.00002; TOPMed 0.00004.
gnomAD v4.1: 36 of 1,613,994 alleles (0.0022%); highest among the groups gnomAD compares: Non-Finnish European, 0.0028%; no homozygotes.

Submissions (5):

PreventionGenetics, part of Exact Sciences
Classification: Uncertain significance for ANK2-related condition. Last evaluated: 2026-07-06. Review status: criteria provided, single submitter. Criteria: ACMG Guidelines, 2015. Collection method: clinical testing. Allele origin: germline.
Comment: The ANK2 c.7142C>A variant is predicted to result in the amino acid substitution p.Ala2381Asp. This variant has been reported in individuals with long QT syndrome (Supplementary data, Marschall et al. 2019. PubMed ID: 31737537; Giovani et al. 2025. doi:10.3390/cardiogenetics15030025). This variant is reported in 0.0035% of alleles in individuals of European (Non-Finnish) descent in gnomAD. At this time, the clinical significance of this variant is uncertain due to the absence of conclusive functional and genetic evidence.

Labcorp Genetics (formerly Invitae), Labcorp
Classification: Uncertain significance for Long QT syndrome. Last evaluated: 2025-07-21. Review status: criteria provided, single submitter. Criteria: Invitae Variant Classification Sherloc (09022015). Collection method: clinical testing. Allele origin: germline.
Comment: This sequence change replaces alanine, which is neutral and non-polar, with aspartic acid, which is acidic and polar, at codon 2381 of the ANK2 protein (p.Ala2381Asp). This variant is present in population databases (rs764841248, gnomAD 0.004%). This missense change has been observed in individual(s) with Long QT Syndrome (PMID: 31737537). ClinVar contains an entry for this variant (Variation ID: 406472). An algorithm developed to predict the effect of missense changes on protein structure and function (PolyPhen-2) suggests that this variant is likely to be tolerated. In summary, the available evidence is currently insufficient to determine the role of this variant in disease. Therefore, it has been classified as a Variant of Uncertain Significance.

Ambry Genetics
Classification: Likely benign for Cardiovascular phenotype. Last evaluated: 2024-04-27. Review status: criteria provided, single submitter. Criteria: Ambry Variant Classification Scheme 2023. Collection method: clinical testing. Allele origin: germline.

Fulgent Genetics
Classification: Uncertain significance for Cardiac arrhythmia, ankyrin-B-related. Last evaluated: 2021-09-29. Review status: criteria provided, single submitter. Criteria: ACMG Guidelines, 2015. Collection method: clinical testing. Allele origin: unknown.

GeneDx
Classification: Uncertain significance. Last evaluated: 2017-10-20. Review status: criteria provided, single submitter. Criteria: GeneDx Variant Classification (06012015). Collection method: clinical testing. Allele origin: germline. Affected: yes.
Comment: A variant of uncertain significance has been identified in the ANK2 gene. The A2381D variant has not been published as pathogenic or been reported as benign to our knowledge. The A2381D variant is not observed at a significant frequency in large population cohorts (Lek et al., 2016). The A2381D variant is a non-conservative amino acid substitution, which is likely to impact secondary protein structure as these residues differ in polarity, charge, size and/or other properties. However, this substitution occurs at a position that is not conserved across species. Finally, in silico analysis predicts this variant likely does not alter the protein structure/function.

Literature cited by the submitters: PubMed 31737537 (cited by Labcorp Genetics (formerly Invitae), Labcorp).